The following is an entry in ClinVar:

NM_133433.4(NIPBL):c.3705dup (p.His1236fs)

Gene: NIPBL (NIPBL cohesin loading factor; plus strand). Cytogenetic location: 5p13.2.
Variant type: Duplication.
Coding change: c.3705dup on transcript NM_133433.4 (MANE Select); coding-DNA position 3705, one base duplicated (A; older notation c.3705dupA).
Protein change: p.His1236fs; shifts the reading frame from histidine 1236.
Molecular consequence: frameshift variant.
Genome position (GRCh38, 1-based): chr5:37,002,702, A duplicated; the last of 4 consecutive A bases (chr5:37,002,699-37,002,702); duplicating any one gives the same sequence. VCF-style (leftmost placement, unchanged base first): chr5-37002698-G-GA. GRCh37 (hg19) VCF-style: chr5-37002800-G-GA.
Other names: c.3705dup, p.His1236fs (NM_015384.5); short protein forms H1236fs.
Identifiers: ClinVar variation 2711805 (VCV002711805.3), dbSNP rs2478106977, ClinGen allele CA2697547121.

ClinVar aggregate classification (germline): Pathogenic (1 of 4 stars; one submission).

Conditions:
Cornelia de Lange syndrome 1 (CDLS1). Also called: TYPUS DEGENERATIVUS AMSTELODAMENSIS; Brachmann de Lange syndrome; NIPBL-Related Cornelia de Lange Syndrome. Identifiers: Orphanet 199, MedGen C4551851, MONDO:0007387, OMIM 122470.

Submission:

Labcorp Genetics (formerly Invitae), Labcorp
Classification: Pathogenic for Cornelia de Lange syndrome 1. Last evaluated: 2023-06-11. Review status: criteria provided, single submitter. Criteria: Invitae Variant Classification Sherloc (09022015). Collection method: clinical testing. Allele origin: germline.
Comment: This variant has not been reported in the literature in individuals affected with NIPBL-related conditions. For these reasons, this variant has been classified as Pathogenic. This variant is not present in population databases (gnomAD no frequency). This sequence change creates a premature translational stop signal (p.His1236Thrfs*4) in the NIPBL gene. It is expected to result in an absent or disrupted protein product. Loss-of-function variants in NIPBL are known to be pathogenic (PMID: 15318302, 19763162, 23505322, 29995837).

Literature cited by the submitters: PubMed 15318302; PubMed 19763162; PubMed 23505322; PubMed 29995837.